The following is an entry in ClinVar:

NM_001321324.2(MOV10):c.1661dup (p.Pro555fs)

Gene: MOV10 (Mov10 RNA helicase; plus strand). Cytogenetic location: 1p13.2.
Variant type: Duplication.
Coding change: c.1661dup on transcript NM_001321324.2 (MANE Select); coding-DNA position 1661, one base duplicated (C; older notation c.1661dupC).
Protein change: p.Pro555fs; shifts the reading frame from proline 555.
Molecular consequence: frameshift variant.
Genome position (GRCh38, 1-based): chr1:112,695,456, C duplicated. VCF-style (leftmost placement, unchanged base first): chr1-112695455-G-GC. GRCh37 (hg19) VCF-style: chr1-113238077-G-GC.
Other names: c.1661dup, p.Pro555fs (NM_001130079.3, NM_001369507.1, NM_020963.5); c.1493dup, p.Pro499fs (NM_001286072.2, NM_001389562.1, NM_001389563.1); short protein forms P555fs, P499fs.
Identifiers: ClinVar variation 4991388 (VCV004991388.1).

ClinVar aggregate classification (germline): Uncertain significance (1 of 4 stars; one submission).

Conditions:
MOV10-related disorder. Also called: MOV10-related condition.

Submission:

PreventionGenetics, part of Exact Sciences
Classification: Uncertain significance for MOV10-related condition. Last evaluated: 2025-10-22. Review status: criteria provided, single submitter. Criteria: ACMG Guidelines, 2015. Collection method: clinical testing. Allele origin: germline.
Comment: The MOV10 c.1661dupC variant is predicted to result in a frameshift and premature protein termination (p.Pro555Serfs*7). To our knowledge, this variant has not been reported in the literature or in a large population database (gnomAD), indicating this variant is rare. At this time, the clinical significance of this variant is uncertain due to the absence of conclusive functional and genetic evidence.